The following is an entry in ClinVar:

NM_001377265.1(MAPT):c.750T>G (p.Pro250=)

Gene: MAPT (microtubule associated protein tau). Cytogenetic location: 17q21.31.
Variant type: single nucleotide variant.
Coding change: c.750T>G on transcript NM_001377265.1 (MANE Select); coding-DNA position 750, T replaced by G.
Protein change: p.Pro250=; no amino-acid change (proline 250 retained).
Molecular consequence: synonymous variant. On other transcripts: intron variant (8).
Genome position (GRCh38, 1-based): chr17:45,983,329, T>G. VCF-style: chr17-45983329-T-G. GRCh37 (hg19) VCF-style: chr17-44060695-T-G.
Other names: c.200-3711T>G (NM_016841.5, NM_001377268.1, NM_016834.5); c.525T>G, p.Pro175= (NM_001123066.4, NM_016835.5); c.750T>G, p.Pro250= (NM_001377266.1); c.374-3711T>G (NM_005910.6, NM_001203252.2); c.287-3711T>G (NM_001123067.4, NM_001203251.2, NM_001377267.1).
Identifiers: ClinVar variation 3898584 (VCV003898584.7).
Genomic context (GRCh38, chr17:45,983,329, plus strand): 5'-GGCTCCCCTCCTGCCTGAGGGCCCCAGAGAGGCCACACGCCAACCTTCGGGGACAGGACC[T>G]GAGGACACAGAGGGCGGCCGCCACGCCCCTGAGCTGCTCAAGCACCAGCTTCTAGGAGAC-3'
Protein context (NP_001364194.1, residues 240-260): EATRQPSGTG[Pro250=]EDTEGGRHAP

ClinVar aggregate classification (germline): Likely benign (1 of 4 stars; one submission).

Submission:

CeGaT Center for Human Genetics Tuebingen
Classification: Likely benign. Last evaluated: 2025-04-01. Review status: criteria provided, single submitter. Criteria: CeGaT Center For Human Genetics Tuebingen Variant Classification Criteria Version 2. Collection method: clinical testing. Allele origin: germline. Affected: yes. Observed: 1 variant allele.
Comment: MAPT: PM2:Supporting, BP4, BP7